The following is an entry in ClinVar:

NM_024685.4(BBS10):c.1891A>G (p.Met631Val)

Gene: BBS10 (Bardet-Biedl syndrome 10; minus strand). Cytogenetic location: 12q21.2.
Variant type: single nucleotide variant.
Coding change: c.1891A>G on transcript NM_024685.4 (MANE Select); coding-DNA position 1891, A replaced by G.
Protein change: p.Met631Val; replaces methionine 631 with valine.
Molecular consequence: missense variant.
Genome position (GRCh38, 1-based): chr12:76,346,094, T>C on the plus strand (A>G on the coding strand, the complement: BBS10 is on the minus strand). VCF-style: chr12-76346094-T-C. GRCh37 (hg19) VCF-style: chr12-76739874-T-C.
Other names: short protein forms M631V.
Identifiers: ClinVar variation 2170375 (VCV002170375.4), dbSNP rs1279599104, ClinGen allele CA385809192.

ClinVar aggregate classification (germline): Uncertain significance (1 of 4 stars; one submission).

Conditions:
Bardet-Biedl syndrome (BBS). Identifiers: Orphanet 110, MedGen C0752166, MONDO:0015229.

Allele frequency attached by ClinVar (database versions not stated): TOPMed 0.00001.

Submission:

Labcorp Genetics (formerly Invitae), Labcorp
Classification: Uncertain significance for Bardet-Biedl syndrome. Last evaluated: 2024-11-11. Review status: criteria provided, single submitter. Criteria: Invitae Variant Classification Sherloc (09022015). Collection method: clinical testing. Allele origin: germline.
Comment: This sequence change replaces methionine, which is neutral and non-polar, with valine, which is neutral and non-polar, at codon 631 of the BBS10 protein (p.Met631Val). This variant is not present in population databases (gnomAD no frequency). This variant has not been reported in the literature in individuals affected with BBS10-related conditions. ClinVar contains an entry for this variant (Variation ID: 2170375). Invitae Evidence Modeling of protein sequence and biophysical properties (such as structural, functional, and spatial information, amino acid conservation, physicochemical variation, residue mobility, and thermodynamic stability) indicates that this missense variant is not expected to disrupt BBS10 protein function with a negative predictive value of 80%. In summary, the available evidence is currently insufficient to determine the role of this variant in disease. Therefore, it has been classified as a Variant of Uncertain Significance.